The following is an entry in ClinVar:

ClinVar aggregate classification (germline): Uncertain significance (1 of 4 stars; one submission).

gnomAD v4.1: 4 of 1,614,168 alleles (0.00025%); highest among the groups gnomAD compares: South Asian, 0.0011%; no homozygotes.

Submission:

Labcorp Genetics (formerly Invitae), Labcorp
Classification: Uncertain significance. Last evaluated: 2024-04-22. Review status: criteria provided, single submitter. Criteria: Invitae Variant Classification Sherloc (09022015). Collection method: clinical testing. Allele origin: germline.
Comment: This sequence change replaces arginine, which is basic and polar, with glutamine, which is neutral and polar, at codon 59 of the NDUFV1 protein (p.Arg59Gln). This variant is present in population databases (rs759006354, gnomAD 0.006%). This variant has not been reported in the literature in individuals affected with NDUFV1-related conditions. Advanced modeling of protein sequence and biophysical properties (such as structural, functional, and spatial information, amino acid conservation, physicochemical variation, residue mobility, and thermodynamic stability) performed at Invitae indicates that this missense variant is not expected to disrupt NDUFV1 protein function with a negative predictive value of 80%. In summary, the available evidence is currently insufficient to determine the role of this variant in disease. Therefore, it has been classified as a Variant of Uncertain Significance.

NM_007103.4(NDUFV1):c.176G>A (p.Arg59Gln)

Gene: NDUFV1 (NADH:ubiquinone oxidoreductase core subunit V1; plus strand). Cytogenetic location: 11q13.2.
Variant type: single nucleotide variant.
Coding change: c.176G>A on transcript NM_007103.4 (MANE Select); coding-DNA position 176, G replaced by A.
Protein change: p.Arg59Gln; replaces arginine 59 with glutamine.
Molecular consequence: missense variant.
Genome position (GRCh38, 1-based): chr11:67,608,572, G>A. VCF-style: chr11-67608572-G-A. GRCh37 (hg19) VCF-style: chr11-67376043-G-A.
Other names: c.149G>A, p.Arg50Gln (NM_001166102.2); short protein forms R50Q, R59Q.
Identifiers: ClinVar variation 3696061 (VCV003696061.2).
Genomic context (GRCh38, chr11:67,608,572, plus strand): 5'-AGCAAGGTGTCCCCTTCATTGCCTTCCCTATTCTGTCCAGGCTGAAAGGTTCCCTGAGTC[G>A]AGGTGACTGGTACAAGACAAAGGAGATCCTGCTGAAGGGGCCCGACTGGATCCTGGGCGA-3'
Protein context (NP_009034.2, residues 49-69): HDWRLKGSLS[Arg59Gln]GDWYKTKEIL